The following is an entry in ClinVar:

ClinVar aggregate classification (germline): Uncertain significance. Review status: criteria provided, multiple submitters, no conflicts (2 of 4 stars). 2 submissions from 2 submitters: Uncertain significance (2). Last evaluated 2026-02-24.

Conditions:
Hereditary cancer-predisposing syndrome. Also called: Hereditary Cancer Syndrome; Neoplastic Syndromes, Hereditary; Tumor predisposition; Hereditary neoplastic syndrome. Identifiers: Orphanet 140162, MedGen C0027672, MeSH D009386, MONDO:0015356.
Familial meningioma. Also called: Meningioma, familial, susceptibility to. Identifiers: Orphanet 263662, MedGen C3551915, MONDO:0011789, OMIM 607174.

Allele frequency attached by ClinVar (database versions not stated): gnomAD exomes below 0.00001.

Submissions (2):

Ambry Genetics
Classification: Uncertain significance for Hereditary cancer-predisposing syndrome. Last evaluated: 2026-02-24. Review status: criteria provided, single submitter. Criteria: Ambry Variant Classification Scheme 2023. Collection method: clinical testing. Allele origin: germline.
Comment: The p.T52M variant (also known as c.155C>T), located in coding exon 3 of the SMARCE1 gene, results from a C to T substitution at nucleotide position 155. The threonine at codon 52 is replaced by methionine, an amino acid with similar properties. This nucleotide position is well conserved in available vertebrate species. This amino acid position is well conserved in available vertebrate species. In silico splice site analysis predicts that this alteration may weaken the native splice donor site. RNA studies have demonstrated that this variant results in a transcript predicted to lead to a protein with an in-frame deletion of 35 amino acids; however, the exact functional impact of the deleted amino acids is unknown at this time (Ambry internal data). In addition, as a missense, this alteration is predicted to be tolerated by in silico analysis. Based on the available evidence, the clinical significance of this variant remains unclear.

Labcorp Genetics (formerly Invitae), Labcorp
Classification: Uncertain significance for Familial meningioma. Last evaluated: 2024-04-30. Review status: criteria provided, single submitter. Criteria: Invitae Variant Classification Sherloc (09022015). Collection method: clinical testing. Allele origin: germline.
Comment: This sequence change replaces threonine, which is neutral and polar, with methionine, which is neutral and non-polar, at codon 52 of the SMARCE1 protein (p.Thr52Met). This variant is present in population databases (no rsID available, gnomAD 0.003%). This variant has not been reported in the literature in individuals affected with SMARCE1-related conditions. ClinVar contains an entry for this variant (Variation ID: 1058681). An algorithm developed to predict the effect of missense changes on protein structure and function (PolyPhen-2) suggests that this variant is likely to be tolerated. In summary, the available evidence is currently insufficient to determine the role of this variant in disease. Therefore, it has been classified as a Variant of Uncertain Significance.

NM_003079.5(SMARCE1):c.155C>T (p.Thr52Met)

Gene: SMARCE1 (SWI/SNF related BAF chromatin remodeling complex subunit E1; minus strand). Cytogenetic location: 17q21.2.
Variant type: single nucleotide variant.
Coding change: c.155C>T on transcript NM_003079.5 (MANE Select); coding-DNA position 155, C replaced by T.
Protein change: p.Thr52Met; replaces threonine 52 with methionine.
Molecular consequence: missense variant.
Genome position (GRCh38, 1-based): chr17:40,642,456, G>A on the plus strand (C>T on the coding strand, the complement: SMARCE1 is on the minus strand). VCF-style: chr17-40642456-G-A. GRCh37 (hg19) VCF-style: chr17-38798708-G-A.
Other names: c.155C>T (NM_003079.4); short protein forms T52M.
Identifiers: ClinVar variation 1058681 (VCV001058681.11), dbSNP rs909376128, ClinGen allele CA290557465.